The following is an entry in ClinVar:

ClinVar aggregate classification (germline): Uncertain significance (1 of 4 stars; one submission).

Submission:

GeneDx
Classification: Uncertain significance. Last evaluated: 2025-06-26. Review status: criteria provided, single submitter. Criteria: GeneDx Variant Classification Process June 2021. Collection method: clinical testing. Allele origin: germline. Affected: yes.
Comment: Not observed at significant frequency in large population cohorts (gnomAD); In-frame deletion of 3 amino acid(s) in a non-repeat region; In silico analysis suggests that this variant does not alter protein structure/function; Has not been previously published as pathogenic or benign to our knowledge

NM_001080517.3(SETD5):c.1477_1485del (p.Lys493_Glu495del)

Gene: SETD5 (SET domain containing 5; plus strand). Cytogenetic location: 3p25.3.
Variant type: Deletion.
Coding change: c.1477_1485del on transcript NM_001080517.3 (MANE Select); coding-DNA positions 1477 to 1485, 9 bases deleted (AAAGAAGAG; older notation c.1477_1485delAAAGAAGAG).
Protein change: p.Lys493_Glu495del.
Genome position (GRCh38, 1-based): chr3:9,445,693-9,445,701, AAAGAAGAG deleted; deleting any 9 consecutive bases within chr3:9,445,685-9,445,701 gives the same sequence; the c. name uses the placement nearest the transcript's 3' end. VCF-style (leftmost placement, unchanged base first): chr3-9445684-GAAGAAGAGA-G. GRCh37 (hg19) VCF-style: chr3-9487368-GAAGAAGAGA-G.
Other names: c.1183_1191del, p.Lys395_Glu397del (NM_001292043.2, NM_001349451.2); c.1573_1581del, p.Lys525_Glu527del (NM_001437633.1); c.1534_1542del, p.Lys512_Glu514del (NM_001437635.1); c.1477_1485del, p.Lys493_Glu495del (NM_001437643.1); c.1516_1524del, p.Lys506_Glu508del (NM_001437701.1).
Identifiers: ClinVar variation 4540109 (VCV004540109.1).